The following is an entry in ClinVar:

NM_002693.3(POLG):c.1024-3C>T

Gene: POLG (DNA polymerase gamma, catalytic subunit; minus strand). Cytogenetic location: 15q26.1.
Variant type: single nucleotide variant.
Coding change: c.1024-3C>T on transcript NM_002693.3 (MANE Select); 3 bases into the intron before coding-DNA position 1024, C replaced by T.
Molecular consequence: intron variant.
Genome position (GRCh38, 1-based): chr15:89,328,834, G>A on the plus strand (C>T on the coding strand, the complement: POLG is on the minus strand). VCF-style: chr15-89328834-G-A. GRCh37 (hg19) VCF-style: chr15-89872065-G-A.
Other names: c.1024-3C>T (NM_001126131.2).
Identifiers: ClinVar variation 1522197 (VCV001522197.6), dbSNP rs2152068001, ClinGen allele CA2573151263.

ClinVar aggregate classification (germline): Uncertain significance (1 of 4 stars; one submission).

Conditions:
Progressive sclerosing poliodystrophy (MTDPS4A). Also called: ALPERS PROGRESSIVE INFANTILE POLIODYSTROPHY; NEURONAL DEGENERATION OF CHILDHOOD WITH LIVER DISEASE, PROGRESSIVE; Mitochondrial DNA Depletion Syndrome 4A; Alpers-Huttenlocher Syndrome (AHS); Alpers Syndrome; ALPERS DIFFUSE DEGENERATION OF CEREBRAL GRAY MATTER WITH HEPATIC CIRRHOSIS. Identifiers: Orphanet 726, MedGen C0205710, MONDO:0008758, OMIM 203700.

Submission:

Labcorp Genetics (formerly Invitae), Labcorp
Classification: Uncertain significance for Progressive sclerosing poliodystrophy. Last evaluated: 2024-10-15. Review status: criteria provided, single submitter. Criteria: Invitae Variant Classification Sherloc (09022015). Collection method: clinical testing. Allele origin: germline.
Comment: This sequence change falls in intron 4 of the POLG gene. It does not directly change the encoded amino acid sequence of the POLG protein. It affects a nucleotide within the consensus splice site. This variant is not present in population databases (gnomAD no frequency). This variant has not been reported in the literature in individuals affected with POLG-related conditions. ClinVar contains an entry for this variant (Variation ID: 1522197). Variants that disrupt the consensus splice site are a relatively common cause of aberrant splicing (PMID: 17576681, 9536098). Algorithms developed to predict the effect of sequence changes on RNA splicing suggest that this variant is not likely to affect RNA splicing. In summary, the available evidence is currently insufficient to determine the role of this variant in disease. Therefore, it has been classified as a Variant of Uncertain Significance.

Literature cited by the submitters: PubMed 17576681; PubMed 9536098.